The following is an entry in ClinVar:

ClinVar aggregate classification (germline): Uncertain significance (1 of 4 stars; one submission).

Conditions:
Neuroocular syndrome 1 (NOC1). Identifiers: Orphanet 659904, MedGen C5925133, MONDO:0971007, OMIM 619539.

gnomAD v4.1: 11 of 1,602,986 alleles (0.00069%); highest among the groups gnomAD compares: South Asian, 0.0022%; no homozygotes.

Submission:

Neuberg Centre For Genomic Medicine, NCGM
Classification: Uncertain significance for Neuroocular syndrome 1. Last evaluated: 2023-05-20. Review status: criteria provided, single submitter. Criteria: ACMG Guidelines, 2015. Collection method: clinical testing. Allele origin: germline. Inheritance: Autosomal dominant inheritance. Affected: yes.
Comment: The missense c.3869A>G (p.Lys1290Arg) variant in the PRR12 gene has not been reported previously as a pathogenic variant nor as a benign variant, to our knowledge. This variant is absent in the gnomAD Exomes. The amino acid Lysine at position 1290 is changed to a Arginine changing protein sequence and it might alter its composition and physico-chemical properties. Multiple lines of computational evidence (Polyphen - Damaging, SIFT – Damaging and MutationTaster - Disease causing predict a damaging effect on protein structure and function for this variant. The amino acid Lysine in PRR12 is predicted as conserved by GERP++ and PhyloP across 100 vertebrates. For these reasons, this variant has been classified as Uncertain Significance.

NM_020719.3(PRR12):c.3869A>G (p.Lys1290Arg)

Gene: PRR12 (proline rich 12; plus strand). Cytogenetic location: 19q13.33.
Variant type: single nucleotide variant.
Coding change: c.3869A>G on transcript NM_020719.3 (MANE Select); coding-DNA position 3869, A replaced by G.
Protein change: p.Lys1290Arg; replaces lysine 1290 with arginine.
Molecular consequence: missense variant.
Genome position (GRCh38, 1-based): chr19:49,599,462, A>G. VCF-style: chr19-49599462-A-G. GRCh37 (hg19) VCF-style: chr19-50102719-A-G.
Other names: short protein forms K1290R.
Identifiers: ClinVar variation 3366997 (VCV003366997.1).